The following is an entry in ClinVar:

NM_031924.8(RSPH3):c.149T>C (p.Met50Thr)

Gene: RSPH3 (radial spoke head 3; minus strand). Cytogenetic location: 6q25.3.
Variant type: single nucleotide variant.
Coding change: c.149T>C on transcript NM_031924.8 (MANE Select); coding-DNA position 149, T replaced by C.
Protein change: p.Met50Thr; replaces methionine 50 with threonine.
Molecular consequence: missense variant. On other transcripts: non-coding transcript variant (1).
Genome position (GRCh38, 1-based): chr6:158,993,894, A>G on the plus strand (T>C on the coding strand, the complement: RSPH3 is on the minus strand). VCF-style: chr6-158993894-A-G. GRCh37 (hg19) VCF-style: chr6-159414926-A-G.
Other names: c.575T>C, p.Met192Thr (NM_001346418.1); short protein forms M192T, M50T.
Identifiers: ClinVar variation 2139945 (VCV002139945.2), dbSNP rs1478796921, ClinGen allele CA366284296.

ClinVar aggregate classification (germline): Uncertain significance (1 of 4 stars; one submission).

Conditions:
Primary ciliary dyskinesia 32. Also called: CILIARY DYSKINESIA, PRIMARY, 32, WITHOUT SITUS INVERSUS. Identifiers: Orphanet 244, MedGen C4225311, MONDO:0014657, OMIM 616481.

Allele frequency attached by ClinVar (database versions not stated): gnomAD exomes below 0.00001; gnomAD 0.00001; TOPMed 0.00001.
gnomAD v4.1: 3 of 1,611,916 alleles (0.00019%); highest among the groups gnomAD compares: African/African-American, 0.0027%; no homozygotes.

Submission:

Labcorp Genetics (formerly Invitae), Labcorp
Classification: Uncertain significance for Primary ciliary dyskinesia 32. Last evaluated: 2021-12-13. Review status: criteria provided, single submitter. Criteria: Invitae Variant Classification Sherloc (09022015). Collection method: clinical testing. Allele origin: germline.
Comment: This sequence change replaces methionine, which is neutral and non-polar, with threonine, which is neutral and polar, at codon 192 of the RSPH3 protein (p.Met192Thr). This variant is present in population databases (no rsID available, gnomAD 0.01%). This variant has not been reported in the literature in individuals affected with RSPH3-related conditions. Algorithms developed to predict the effect of missense changes on protein structure and function are either unavailable or do not agree on the potential impact of this missense change (SIFT: "Tolerated"; PolyPhen-2: "Possibly Damaging"; Align-GVGD: "Class C0"). In summary, the available evidence is currently insufficient to determine the role of this variant in disease. Therefore, it has been classified as a Variant of Uncertain Significance.